The following is an entry in ClinVar:

ClinVar aggregate classification (germline): Conflicting classifications of pathogenicity. Review status: criteria provided, conflicting classifications (1 of 4 stars). 4 submissions from 4 submitters: Uncertain significance (3); Likely benign (1). Last evaluated 2024-11-19.

Conditions:
Familial adenomatous polyposis 1 (FAP1). Also called: FAMILIAL ADENOMATOUS POLYPOSIS 1, ATTENUATED; POLYPOSIS, ADENOMATOUS INTESTINAL. Identifiers: MedGen C2713442, MONDO:0021056, OMIM 175100. Disease mechanism: loss of function.
Hereditary cancer-predisposing syndrome. Also called: Neoplastic Syndromes, Hereditary; Tumor predisposition; Hereditary neoplastic syndrome; Hereditary Cancer Syndrome. Identifiers: Orphanet 140162, MedGen C0027672, MeSH D009386, MONDO:0015356.

Allele frequency attached by ClinVar (database versions not stated): gnomAD exomes below 0.00001 and 0.00001; gnomAD 0.00001; ExAC 0.00002; TOPMed 0.00003; ESP Exome Variant Server 0.00008.
gnomAD v4.1: 3 of 1,614,090 alleles (0.00019%); highest among the groups gnomAD compares: African/African-American, 0.004%; no homozygotes.

Submissions (4):

Labcorp Genetics (formerly Invitae), Labcorp
Classification: Uncertain significance for Familial adenomatous polyposis 1. Last evaluated: 2024-11-19. Review status: criteria provided, single submitter. Criteria: Invitae Variant Classification Sherloc (09022015). Collection method: clinical testing. Allele origin: germline.
Comment: This sequence change replaces serine, which is neutral and polar, with cysteine, which is neutral and slightly polar, at codon 1581 of the APC protein (p.Ser1581Cys). This variant is present in population databases (rs377169217, gnomAD 0.01%). This variant has not been reported in the literature in individuals affected with APC-related conditions. ClinVar contains an entry for this variant (Variation ID: 643977). Invitae Evidence Modeling of protein sequence and biophysical properties (such as structural, functional, and spatial information, amino acid conservation, physicochemical variation, residue mobility, and thermodynamic stability) indicates that this missense variant is not expected to disrupt APC protein function with a negative predictive value of 95%. In summary, the available evidence is currently insufficient to determine the role of this variant in disease. Therefore, it has been classified as a Variant of Uncertain Significance.

Color Diagnostics, LLC DBA Color Health
Classification: Uncertain significance for Hereditary cancer-predisposing syndrome. Last evaluated: 2023-12-05. Review status: criteria provided, single submitter. Criteria: ACMG Guidelines, 2015. Collection method: clinical testing. Allele origin: germline.
Comment: This missense variant replaces serine with cysteine at codon 1581 of the APC protein. Computational prediction is inconclusive regarding the impact of this variant on protein structure and function (internally defined REVEL score threshold 0.5 < inconclusive < 0.7, PMID: 27666373). To our knowledge, functional studies have not been reported for this variant. This variant has not been reported in individuals affected with APC-related disorders in the literature. This variant has been identified in 2/250974 chromosomes in the general population by the Genome Aggregation Database (gnomAD). The available evidence is insufficient to determine the role of this variant in disease conclusively. Therefore, this variant is classified as a Variant of Uncertain Significance.

Ambry Genetics
Classification: Likely benign for Hereditary cancer-predisposing syndrome. Last evaluated: 2021-10-13. Review status: criteria provided, single submitter. Criteria: Ambry Variant Classification Scheme 2023. Collection method: clinical testing. Allele origin: germline.

GeneDx
Classification: Uncertain significance. Last evaluated: 2019-04-19. Review status: criteria provided, single submitter. Criteria: GeneDx Variant Classification Process June 2021. Collection method: clinical testing. Allele origin: germline. Affected: yes.
Comment: Not observed at a significant frequency in large population cohorts (Lek et al., 2016); Has not been previously published as pathogenic or benign to our knowledge

NM_000038.6(APC):c.4742C>G (p.Ser1581Cys)

Gene: APC (APC regulator of Wnt signaling pathway; plus strand). Cytogenetic location: 5q22.2.
Variant type: single nucleotide variant.
Coding change: c.4742C>G on transcript NM_000038.6 (MANE Select); coding-DNA position 4742, C replaced by G.
Protein change: p.Ser1581Cys; replaces serine 1581 with cysteine.
Molecular consequence: missense variant.
Genome position (GRCh38, 1-based): chr5:112,840,336, C>G. VCF-style: chr5-112840336-C-G. GRCh37 (hg19) VCF-style: chr5-112176033-C-G.
Other names: c.4742C>G, p.Ser1581Cys (NM_001127510.3, NM_001354895.2); c.4688C>G, p.Ser1563Cys (NM_001127511.3); c.4796C>G, p.Ser1599Cys (NM_001354896.2); c.4772C>G, p.Ser1591Cys (NM_001354897.2); c.4667C>G, p.Ser1556Cys (NM_001354898.2); c.4658C>G, p.Ser1553Cys (NM_001354899.2); c.4619C>G, p.Ser1540Cys (NM_001354900.2); c.4565C>G, p.Ser1522Cys (NM_001354901.2); and 5 more; short protein forms S1421C, S1455C, S1490C, S1522C, S1556C, S1563C, S1298C, S1591C.
Identifiers: ClinVar variation 643977 (VCV000643977.19), dbSNP rs377169217, ClinGen allele CA039671.
Genomic context (GRCh38, chr5:112,840,336, plus strand): 5'-AGGACCTATTAGATGATTCAGATGATGATGATATTGAAATACTAGAAGAATGTATTATTT[C>G]TGCCATGCCAACAAAGTCATCACGTAAAGCAAAAAAGCCAGCCCAGACTGCTTCAAAATT-3'
Protein context (NP_000029.2, residues 1571-1591): DIEILEECII[Ser1581Cys]AMPTKSSRKA